The following is an entry in ClinVar:

NM_001122630.2(CDKN1C):c.758T>G (p.Ile253Ser)

Gene: CDKN1C (cyclin dependent kinase inhibitor 1C; minus strand). Cytogenetic location: 11p15.4.
Variant type: single nucleotide variant.
Coding change: c.758T>G on transcript NM_001122630.2 (MANE Select); coding-DNA position 758, T replaced by G.
Protein change: p.Ile253Ser; replaces isoleucine 253 with serine.
Molecular consequence: missense variant. On other transcripts: intron variant (1).
Genome position (GRCh38, 1-based): chr11:2,884,699, A>C on the plus strand (T>G on the coding strand, the complement: CDKN1C is on the minus strand). VCF-style: chr11-2884699-A-C. GRCh37 (hg19) VCF-style: chr11-2905929-A-C.
Other names: c.791T>G, p.Ile264Ser (NM_000076.2, NM_001362474.2); c.758T>G, p.Ile253Ser (NM_001122631.2); c.255+503T>G (NM_001362475.2); short protein forms I253S, I264S.
Identifiers: ClinVar variation 2792363 (VCV002792363.3), dbSNP rs2494383366, ClinGen allele CA379145572.

ClinVar aggregate classification (germline): Uncertain significance (1 of 4 stars; one submission).

Conditions:
Beckwith-Wiedemann syndrome (BWS). Also called: Exomphalos macroglossia gigantism syndrome; EMG SYNDROME. Identifiers: Orphanet 116, MedGen C0004903, MONDO:0007534, OMIM 130650.

Submission:

Labcorp Genetics (formerly Invitae), Labcorp
Classification: Uncertain significance for Beckwith-Wiedemann syndrome. Last evaluated: 2023-01-19. Review status: criteria provided, single submitter. Criteria: Invitae Variant Classification Sherloc (09022015). Collection method: clinical testing. Allele origin: germline.
Comment: In summary, the available evidence is currently insufficient to determine the role of this variant in disease. Therefore, it has been classified as a Variant of Uncertain Significance. Advanced modeling of protein sequence and biophysical properties (such as structural, functional, and spatial information, amino acid conservation, physicochemical variation, residue mobility, and thermodynamic stability) performed at Invitae indicates that this missense variant is not expected to disrupt CDKN1C protein function. This variant has not been reported in the literature in individuals affected with CDKN1C-related conditions. This variant is not present in population databases (gnomAD no frequency). This sequence change replaces isoleucine, which is neutral and non-polar, with serine, which is neutral and polar, at codon 264 of the CDKN1C protein (p.Ile264Ser).